The following is an entry in ClinVar:

ClinVar aggregate classification (germline): Likely benign (1 of 4 stars; one submission).

Submission:

CeGaT Center for Human Genetics Tuebingen
Classification: Likely benign. Last evaluated: 2022-10-01. Review status: criteria provided, single submitter. Criteria: CeGaT Center For Human Genetics Tuebingen Variant Classification Criteria Version 2. Collection method: clinical testing. Allele origin: germline. Affected: yes. Observed: 1 variant allele.
Comment: FMR1: PM2:Supporting, BP4, BP7

NM_002024.6(FMR1):c.930G>A (p.Lys310=)

Gene: FMR1 (fragile X messenger ribonucleoprotein 1; plus strand). Cytogenetic location: Xq27.3.
Variant type: single nucleotide variant.
Coding change: c.930G>A on transcript NM_002024.6 (MANE Select); coding-DNA position 930, G replaced by A.
Protein change: p.Lys310=; no amino-acid change (lysine 310 retained).
Molecular consequence: synonymous variant. On other transcripts: non-coding transcript variant (2).
Genome position (GRCh38, 1-based): chrX:147,936,553, G>A. VCF-style: chrX-147936553-G-A. GRCh37 (hg19) VCF-style: chrX-147018072-G-A.
Other names: c.930G>A, p.Lys310= (NM_001185075.2, NM_001185076.2, NM_001185081.2 and 1 more transcripts).
Identifiers: ClinVar variation 2661593 (VCV002661593.24), dbSNP rs2521403252, ClinGen allele CA518861014.
Genomic context (GRCh38, chrX:147,936,553, plus strand): 5'-TTATTTCTTAGGCAAAGTAATAGGAAAAAATGGAAAGCTGATTCAGGAGATTGTGGACAA[G>A]TCAGGAGTTGTGAGGGTGAGGATTGAGGCTGAAAATGAGAAAAATGTTCCACAAGAAGAG-3'
Protein context (NP_002015.1, residues 300-320): NGKLIQEIVD[Lys310=]SGVVRVRIEA